The following is an entry in ClinVar:

ClinVar aggregate classification (germline): Uncertain significance (1 of 4 stars; one submission).

Conditions:
Hereditary cancer-predisposing syndrome. Also called: Neoplastic Syndromes, Hereditary; Tumor predisposition; Hereditary Cancer Syndrome; Hereditary neoplastic syndrome. Identifiers: Orphanet 140162, MedGen C0027672, MeSH D009386, MONDO:0015356.

Submission:

Ambry Genetics
Classification: Uncertain significance for Hereditary cancer-predisposing syndrome. Last evaluated: 2025-08-12. Review status: criteria provided, single submitter. Criteria: Ambry Variant Classification Scheme 2023. Collection method: clinical testing. Allele origin: germline.
Comment: The p.S478G variant (also known as c.1432A>G), located in coding exon 8 of the SMARCA4 gene, results from an A to G substitution at nucleotide position 1432. The serine at codon 478 is replaced by glycine, an amino acid with similar properties. This amino acid position is conserved. In addition, this alteration is predicted to be tolerated by in silico analysis. Based on the available evidence, the clinical significance of this variant remains unclear.

NM_003072.5(SMARCA4):c.1432A>G (p.Ser478Gly)

Gene: SMARCA4 (SWI/SNF related BAF chromatin remodeling complex subunit ATPase 4; plus strand). Cytogenetic location: 19p13.2.
Variant type: single nucleotide variant.
Coding change: c.1432A>G on transcript NM_003072.5 (MANE Select); coding-DNA position 1432, A replaced by G.
Protein change: p.Ser478Gly; replaces serine 478 with glycine.
Molecular consequence: missense variant. On other transcripts: non-coding transcript variant (1).
Genome position (GRCh38, 1-based): chr19:10,994,840, A>G. VCF-style: chr19-10994840-A-G. GRCh37 (hg19) VCF-style: chr19-11105516-A-G.
Other names: c.1432A>G, p.Ser478Gly (NM_001128844.3, NM_001128845.2, NM_001128846.2 and 6 more transcripts); short protein forms S478G.
Identifiers: ClinVar variation 4170172 (VCV004170172.1).